The following is an entry in ClinVar:

ClinVar aggregate classification (germline): Benign/Likely benign. Review status: criteria provided, multiple submitters, no conflicts (2 of 4 stars). 17 submissions from 11 submitters: Benign (11); Likely benign (3). 3 of the submissions do not count toward it. Last evaluated 2026-01-21.

Conditions:
Basal laminar drusen. Also called: DRUSEN OF BRUCH MEMBRANE; DRUSEN, CUTICULAR; DRUSEN, EARLY ADULT-ONSET, GROUPED. Identifiers: Orphanet 75376, MedGen C0730295, MONDO:0007472, OMIM 126700.
Kidney disorder. Also called: Nephropathy; Kidney disease; Kidney Diseases; renal disorder; renal disease. Identifiers: MedGen C0022658, MONDO:0005240, HP:0000112.
Age related macular degeneration 4. Identifiers: MedGen C1853147, MONDO:0012540, OMIM 610698.
Factor H deficiency (CFHD). Also called: COMPLEMENT FACTOR H DEFICIENCY; CFH DEFICIENCY. Identifiers: Orphanet 200421, MedGen C0398777, MONDO:0012350, OMIM 609814.
Hemolytic uremic syndrome, atypical, susceptibility to, 1. Also called: AHUS, SUSCEPTIBILITY TO, 1. Identifiers: Orphanet 2134, Orphanet 90038, MedGen C2749604, MONDO:0009335, OMIM 235400. Disease mechanism: Other.
Atypical hemolytic-uremic syndrome. Identifiers: Orphanet 2134, MedGen C2931788, MONDO:0016244.
CFH-Related Dense Deposit Disease / Membranoproliferative Glomerulonephritis Type II. Identifiers: MedGen CN071292.

Allele frequency attached by ClinVar (database versions not stated): gnomAD 0.05563; 1000 Genomes Project 30x 0.09978; ExAC 0.26569.

Submissions (17):

Women's Health and Genetics/Laboratory Corporation of America, LabCorp
Classification: Likely benign. Last evaluated: 2026-01-21. Review status: criteria provided, single submitter. Criteria: LabCorp Variant Classification Summary - May 2015. Collection method: clinical testing. Allele origin: germline.

Genomenon, Inc
Classification: Likely benign for Basal laminar drusen; Age related macular degeneration 4; Atypical hemolytic-uremic syndrome; Factor H deficiency. Last evaluated: 2025-10-02. Review status: criteria provided, single submitter. Criteria: Genomenon Sequence Variant Interpretation Standards - Updated. Collection method: curation. Allele origin: germline. Affected: no.
Comment: CFH p.Thr1046= (c.3138C>T) is a synonymous variant that retains Threonine at residue 1046. This variant has been reported in the published literature (PMID:12960213;20059470;31945341). This synonymous variant is not predicted to impact splicing. It is absent or not present at a significant frequency in gnomAD. In conclusion, we classify CFH p.Thr1046= (c.3138C>T) as a likely benign variant.

Blueprint Genetics
Classification: Likely benign. Last evaluated: 2024-11-26. Review status: criteria provided, single submitter. Criteria: ACMG Guidelines, 2015. Collection method: clinical testing. Allele origin: germline.

Mayo Clinic Laboratories, Mayo Clinic
Classification: Benign. Last evaluated: 2023-07-07. Review status: criteria provided, single submitter. Criteria: ACMG Guidelines, 2015. Collection method: clinical testing. Allele origin: germline. Observed: 1,124 variant alleles.
Comment: BA1, BP4, BP7

Genome-Nilou Lab
Classification: Benign for Hemolytic uremic syndrome, atypical, susceptibility to, 1. Last evaluated: 2023-04-11. Review status: criteria provided, single submitter. Criteria: ACMG Guidelines, 2015. Collection method: clinical testing. Allele origin: germline. Affected: no.

Genome-Nilou Lab
Classification: Benign for Age related macular degeneration 4. Last evaluated: 2023-04-11. Review status: criteria provided, single submitter. Criteria: ACMG Guidelines, 2015. Collection method: clinical testing. Allele origin: germline. Affected: no.

Genome-Nilou Lab
Classification: Benign for Basal laminar drusen. Last evaluated: 2023-04-11. Review status: criteria provided, single submitter. Criteria: ACMG Guidelines, 2015. Collection method: clinical testing. Allele origin: germline. Affected: no.

Genome-Nilou Lab
Classification: Benign for Factor H deficiency. Last evaluated: 2023-04-11. Review status: criteria provided, single submitter. Criteria: ACMG Guidelines, 2015. Collection method: clinical testing. Allele origin: germline. Affected: no.

Illumina Laboratory Services, Illumina
Classification: Benign for Basal laminar drusen. Last evaluated: 2018-01-13. Review status: criteria provided, single submitter. Criteria: ICSL Variant Classification Criteria 13 December 2019. Collection method: clinical testing. Allele origin: germline.
Comment: This variant was observed in the ICSL laboratory as part of a predisposition screen in an ostensibly healthy population. It had not been previously curated by ICSL or reported in the Human Gene Mutation Database (HGMD: prior to June 1st, 2018), and was therefore a candidate for classification through an automated scoring system. Utilizing variant allele frequency, disease prevalence and penetrance estimates, and inheritance mode, an automated score was calculated to assess if this variant is too frequent to cause the disease. Based on the score and internal cut-off values, a variant classified as benign is not then subjected to further curation. The score for this variant resulted in a classification of benign for this disease.

Illumina Laboratory Services, Illumina
Classification: Benign for Hemolytic uremic syndrome, atypical, susceptibility to, 1. Last evaluated: 2018-01-13. Review status: criteria provided, single submitter. Criteria: ICSL Variant Classification Criteria 13 December 2019. Collection method: clinical testing. Allele origin: germline.
Comment: the same text as in the submission from Illumina Laboratory Services, Illumina above.

Illumina Laboratory Services, Illumina
Classification: Benign for Membranoproliferative glomerulonephritis with complement factor h deficiency. Last evaluated: 2018-01-13. Review status: criteria provided, single submitter. Criteria: ICSL Variant Classification Criteria 13 December 2019. Collection method: clinical testing. Allele origin: germline.
Comment: the same text as in the submission from Illumina Laboratory Services, Illumina above.

Illumina Laboratory Services, Illumina
Classification: Benign for Age related macular degeneration 4. Last evaluated: 2018-01-13. Review status: criteria provided, single submitter. Criteria: ICSL Variant Classification Criteria 13 December 2019. Collection method: clinical testing. Allele origin: germline.
Comment: the same text as in the submission from Illumina Laboratory Services, Illumina above.

Genome Diagnostics Laboratory, The Hospital for Sick Children
Classification: Benign for Kidney disorder. Last evaluated: 2016-12-16. Review status: criteria provided, single submitter. Criteria: ACMG Guidelines, 2015. Collection method: clinical testing. Allele origin: germline.

Breakthrough Genomics
Classification: Benign. Review status: criteria provided, single submitter. Criteria: ACMG Guidelines, 2015. Collection method: not provided. Allele origin: germline. Inheritance: Autosomal recessive inheritance. Affected: yes.

Clinical Genetics DNA and cytogenetics Diagnostics Lab, Erasmus MC, Erasmus Medical Center
Classification: Benign. Review status: no assertion criteria provided. Collection method: clinical testing. Allele origin: germline. Affected: yes. Study: VKGL Data-share Consensus. Not counted in ClinVar's aggregate classification.

Diagnostic Laboratory, Department of Genetics, University Medical Center Groningen
Classification: Benign. Review status: no assertion criteria provided. Collection method: clinical testing. Allele origin: germline. Affected: yes. Study: VKGL Data-share Consensus. Not counted in ClinVar's aggregate classification.

Genome Diagnostics Laboratory, University Medical Center Utrecht
Classification: Benign. Review status: no assertion criteria provided. Collection method: clinical testing. Allele origin: germline. Affected: yes. Study: VKGL Data-share Consensus. Not counted in ClinVar's aggregate classification.

Literature cited by the submitters: PubMed 12960213 (cited by Genomenon, Inc); PubMed 20059470 (cited by Genomenon, Inc); PubMed 31945341 (cited by Genomenon, Inc).

NM_000186.4(CFH):c.3138C>T (p.Thr1046=)

Gene: CFH (complement factor H; plus strand). Cytogenetic location: 1q31.3.
Variant type: single nucleotide variant.
Coding change: c.3138C>T on transcript NM_000186.4 (MANE Select); coding-DNA position 3138, C replaced by T.
Protein change: p.Thr1046=; no amino-acid change (threonine 1046 retained).
Molecular consequence: synonymous variant.
Genome position (GRCh38, 1-based): chr1:196,743,456, C>T. VCF-style: chr1-196743456-C-T. GRCh37 (hg19) VCF-style: chr1-196712586-C-T.
Other names: p.Thr1046=.
Identifiers: ClinVar variation 294519 (VCV000294519.18), dbSNP rs61822181, ClinGen allele CA1305853.
Genomic context (GRCh38, chr1:196,743,456, plus strand): 5'-TGATTTGCTACTCAAAATGAACACTAGGTGGAACCACTTCTTTTTTTTCTATTCAGACAC[C>T]TCCTGTGTGAATCCGCCCACAGTACAAAATGCTTATATAGTGTCGAGACAGATGAGTAAA-3'
Protein context (NP_000177.2, residues 1036-1056): RWTGRPTCRD[Thr1046=]SCVNPPTVQN